The following is an entry in ClinVar:

NM_001363711.2(DUOX2):c.3415+1G>A

Gene: DUOX2 (dual oxidase 2; minus strand). Cytogenetic location: 15q21.1.
Variant type: single nucleotide variant.
Coding change: c.3415+1G>A on transcript NM_001363711.2 (MANE Select); the canonical splice donor site of the intron after coding-DNA position 3415, G replaced by A.
Molecular consequence: splice donor variant.
Genome position (GRCh38, 1-based): chr15:45,099,661, C>T on the plus strand (G>A on the coding strand, the complement: DUOX2 is on the minus strand). VCF-style: chr15-45099661-C-T. GRCh37 (hg19) VCF-style: chr15-45391859-C-T.
Other names: c.3415+1G>A (NM_014080.5).
Identifiers: ClinVar variation 1469713 (VCV001469713.8), dbSNP rs941026356, ClinGen allele CA392259619.

ClinVar aggregate classification (germline): Likely pathogenic (1 of 4 stars; one submission).

Allele frequency attached by ClinVar (database versions not stated): gnomAD exomes 0.00002.
gnomAD v4.1: 22 of 1,614,154 alleles (0.0014%); highest among the groups gnomAD compares: Non-Finnish European, 0.0019%; no homozygotes.

Submission:

Labcorp Genetics (formerly Invitae), Labcorp
Classification: Likely pathogenic. Last evaluated: 2024-11-27. Review status: criteria provided, single submitter. Criteria: Invitae Variant Classification Sherloc (09022015). Collection method: clinical testing. Allele origin: germline.
Comment: This sequence change affects a donor splice site in intron 25 of the DUOX2 gene. It is expected to disrupt RNA splicing. Variants that disrupt the donor or acceptor splice site typically lead to a loss of protein function (PMID: 16199547), and loss-of-function variants in DUOX2 are known to be pathogenic (PMID: 12110737, 18765513, 21565790, 24423310, 24735383). This variant is not present in population databases (gnomAD no frequency). This variant has not been reported in the literature in individuals affected with DUOX2-related conditions. ClinVar contains an entry for this variant (Variation ID: 1469713). Algorithms developed to predict the effect of sequence changes on RNA splicing suggest that this variant may disrupt the consensus splice site. In summary, the currently available evidence indicates that the variant is pathogenic, but additional data are needed to prove that conclusively. Therefore, this variant has been classified as Likely Pathogenic.

Literature cited by the submitters: PubMed 16199547; PubMed 12110737; PubMed 18765513; PubMed 21565790; PubMed 24423310; PubMed 24735383.